The following is an entry in ClinVar:

ClinVar aggregate classification (germline): Likely benign. Review status: criteria provided, multiple submitters, no conflicts (2 of 4 stars). 3 submissions from 3 submitters: Likely benign (2). 1 of the submissions does not count toward it. Last evaluated 2025-12-14.

Conditions:
BCKDHA-related disorder. Also called: BCKDHA-related condition.
Inborn genetic diseases. Identifiers: MedGen C0950123, MeSH D030342.
Maple syrup urine disease (MSUD). Identifiers: Orphanet 511, MedGen C0024776, MeSH D008375, MONDO:0009563. Disease mechanism: loss of function.

Allele frequency attached by ClinVar (database versions not stated): gnomAD 0.00001 and 0.00003; gnomAD exomes 0.00001 and 0.00002; ExAC 0.00002; TOPMed 0.00002; 1000 Genomes Project 0.00020; 1000 Genomes Project 30x 0.00031.
gnomAD v4.1: 18 of 1,613,766 alleles (0.0011%); highest among the groups gnomAD compares: African/African-American, 0.011%; no homozygotes.

Submissions (3):

Labcorp Genetics (formerly Invitae), Labcorp
Classification: Likely benign for Maple syrup urine disease. Last evaluated: 2025-12-14. Review status: criteria provided, single submitter. Criteria: Invitae Variant Classification Sherloc (09022015). Collection method: clinical testing. Allele origin: germline.

Ambry Genetics
Classification: Likely benign for Inborn genetic diseases. Last evaluated: 2023-07-13. Review status: criteria provided, single submitter. Criteria: Ambry Variant Classification Scheme 2023. Collection method: clinical testing. Allele origin: germline.

PreventionGenetics, part of Exact Sciences
Classification: Likely benign for BCKDHA-related condition. Last evaluated: 2019-10-28. Review status: no assertion criteria provided. Collection method: clinical testing. Allele origin: germline. Not counted in ClinVar's aggregate classification.
Comment: This variant is classified as likely benign based on ACMG/AMP sequence variant interpretation guidelines (Richards et al. 2015 PMID: 25741868, with internal and published modifications).

NM_000709.4(BCKDHA):c.660G>A (p.Ala220=)

Gene: BCKDHA (branched chain keto acid dehydrogenase E1 subunit alpha; plus strand). Cytogenetic location: 19q13.2.
Variant type: single nucleotide variant.
Coding change: c.660G>A on transcript NM_000709.4 (MANE Select); coding-DNA position 660, G replaced by A.
Protein change: p.Ala220=; no amino-acid change (alanine 220 retained).
Molecular consequence: synonymous variant.
Genome position (GRCh38, 1-based): chr19:41,422,177, G>A. VCF-style: chr19-41422177-G-A. GRCh37 (hg19) VCF-style: chr19-41928082-G-A.
Other names: c.660G>A (NM_000709.3); c.660G>A, p.Ala220= (NM_001164783.2).
Identifiers: ClinVar variation 1124331 (VCV001124331.12), dbSNP rs547571406, ClinGen allele CA9461236.